The following is an entry in ClinVar:

NM_000064.4(C3):c.3401G>A (p.Arg1134Gln)

Gene: C3 (complement C3; minus strand). Cytogenetic location: 19p13.3.
Variant type: single nucleotide variant.
Coding change: c.3401G>A on transcript NM_000064.4 (MANE Select); coding-DNA position 3401, G replaced by A.
Protein change: p.Arg1134Gln; replaces arginine 1134 with glutamine.
Molecular consequence: missense variant.
Genome position (GRCh38, 1-based): chr19:6,690,717, C>T on the plus strand (G>A on the coding strand, the complement: C3 is on the minus strand). VCF-style: chr19-6690717-C-T. GRCh37 (hg19) VCF-style: chr19-6690728-C-T.
Other names: c.3401G>A (NM_000064.2); short protein forms R1134Q.
Identifiers: ClinVar variation 1411672 (VCV001411672.10), dbSNP rs777904423, ClinGen allele CA9128741.

ClinVar aggregate classification (germline): Uncertain significance. Review status: criteria provided, multiple submitters, no conflicts (2 of 4 stars). 4 submissions from 4 submitters: Uncertain significance (4). Last evaluated 2025-04-27.

Conditions:
Atypical hemolytic-uremic syndrome. Identifiers: Orphanet 2134, MedGen C2931788, MONDO:0016244.
Inborn genetic diseases. Identifiers: MedGen C0950123, MeSH D030342.
Complement component 3 deficiency. Identifiers: Orphanet 280133, MedGen C3151071, MONDO:0013417, OMIM 613779.
Age related macular degeneration 9. Identifiers: MedGen C1969651, MONDO:0012659, OMIM 611378.
Atypical hemolytic-uremic syndrome with C3 anomaly. Also called: AHUS, SUSCEPTIBILITY TO, 5. Identifiers: Orphanet 2134, MedGen C2752037, MONDO:0013043, OMIM 612925.

Allele frequency attached by ClinVar (database versions not stated): gnomAD 0.00001; TOPMed 0.00002; ExAC 0.00003; gnomAD exomes 0.00003 and 0.00004.
gnomAD v4.1: 46 of 1,613,840 alleles (0.0029%); highest among the groups gnomAD compares: East Asian, 0.04%; no homozygotes.

Submissions (4):

Labcorp Genetics (formerly Invitae), Labcorp
Classification: Uncertain significance. Last evaluated: 2025-04-27. Review status: criteria provided, single submitter. Criteria: Invitae Variant Classification Sherloc (09022015). Collection method: clinical testing. Allele origin: germline.
Comment: This sequence change replaces arginine, which is basic and polar, with glutamine, which is neutral and polar, at codon 1134 of the C3 protein (p.Arg1134Gln). This variant is present in population databases (rs777904423, gnomAD 0.04%). This variant has not been reported in the literature in individuals affected with C3-related conditions. ClinVar contains an entry for this variant (Variation ID: 1411672). Invitae Evidence Modeling of protein sequence and biophysical properties (such as structural, functional, and spatial information, amino acid conservation, physicochemical variation, residue mobility, and thermodynamic stability) indicates that this missense variant is not expected to disrupt C3 protein function with a negative predictive value of 80%. In summary, the available evidence is currently insufficient to determine the role of this variant in disease. Therefore, it has been classified as a Variant of Uncertain Significance.

Ambry Genetics
Classification: Uncertain significance for Inborn genetic diseases. Last evaluated: 2024-05-26. Review status: criteria provided, single submitter. Criteria: Ambry Variant Classification Scheme 2023. Collection method: clinical testing. Allele origin: germline.

Fulgent Genetics
Classification: Uncertain significance for Age related macular degeneration 9; Atypical hemolytic-uremic syndrome with C3 anomaly; Complement component 3 deficiency. Last evaluated: 2022-04-28. Review status: criteria provided, single submitter. Criteria: ACMG Guidelines, 2015. Collection method: clinical testing. Allele origin: unknown.

Genome Diagnostics Laboratory, The Hospital for Sick Children
Classification: Uncertain significance for Atypical hemolytic-uremic syndrome. Last evaluated: 2022-04-19. Review status: criteria provided, single submitter. Criteria: ACMG Guidelines, 2015. Collection method: clinical testing. Allele origin: germline.